The following is an entry in ClinVar:

NM_031407.7(HUWE1):c.4446G>A (p.Lys1482=)

Gene: HUWE1 (HECT, UBA and WWE domain containing E3 ubiquitin protein ligase 1; minus strand). Cytogenetic location: Xp11.22.
Variant type: single nucleotide variant.
Coding change: c.4446G>A on transcript NM_031407.7 (MANE Select); coding-DNA position 4446, G replaced by A.
Protein change: p.Lys1482=; no amino-acid change (lysine 1482 retained).
Molecular consequence: synonymous variant.
Genome position (GRCh38, 1-based): chrX:53,589,562, C>T on the plus strand (G>A on the coding strand, the complement: HUWE1 is on the minus strand). VCF-style: chrX-53589562-C-T. GRCh37 (hg19) VCF-style: chrX-53616522-C-T.
Identifiers: ClinVar variation 1930414 (VCV001930414.9), dbSNP rs782548176, ClinGen allele CA10422411.

ClinVar aggregate classification (germline): Benign/Likely benign. Review status: criteria provided, multiple submitters, no conflicts (2 of 4 stars). 2 submissions from 2 submitters: Benign (1); Likely benign (1). Last evaluated 2026-02-01.

Allele frequency attached by ClinVar (database versions not stated): gnomAD 0.00001; gnomAD exomes 0.00001; TOPMed 0.00001; ExAC 0.00002.
gnomAD v4.1: 13 of 1,209,753 alleles (0.0011%); highest among the groups gnomAD compares: Non-Finnish European, 0.0013%; no homozygotes.

Submissions (2):

CeGaT Center for Human Genetics Tuebingen
Classification: Likely benign. Last evaluated: 2026-02-01. Review status: criteria provided, single submitter. Criteria: CeGaT Center For Human Genetics Tuebingen Variant Classification Criteria Version 2. Collection method: clinical testing. Allele origin: germline. Affected: yes. Observed: 1 variant allele.
Comment: HUWE1: BP4, BP7, BS2

Labcorp Genetics (formerly Invitae), Labcorp
Classification: Benign. Last evaluated: 2025-12-03. Review status: criteria provided, single submitter. Criteria: Invitae Variant Classification Sherloc (09022015). Collection method: clinical testing. Allele origin: germline.